The following is an entry in ClinVar:

NM_000138.5(FBN1):c.3712+4A>T

Gene: FBN1 (fibrillin 1; minus strand). Cytogenetic location: 15q21.1.
Variant type: single nucleotide variant.
Coding change: c.3712+4A>T on transcript NM_000138.5 (MANE Select); 4 bases into the intron after coding-DNA position 3712, A replaced by T.
Molecular consequence: intron variant.
Genome position (GRCh38, 1-based): chr15:48,485,370, T>A on the plus strand (A>T on the coding strand, the complement: FBN1 is on the minus strand). VCF-style: chr15-48485370-T-A. GRCh37 (hg19) VCF-style: chr15-48777567-T-A.
Other names: c.3712+4A>T (NM_001406716.1).
Identifiers: ClinVar variation 3759289 (VCV003759289.2).
Genomic context (GRCh38, chr15:48,485,370, plus strand): 5'-GGCCCTAAACTACTTTACTTAGGAACCTACTGAGAGATTCAACATGAGGCTAGAACCTAC[T>A]CACCGGTGCATGATCTCTGGTCAGGCATTAGTGCAAATCCCGGCTGACAGCTACATTCAT-3'

ClinVar aggregate classification (germline): Pathogenic (1 of 4 stars; one submission).

Conditions:
Marfan syndrome (MFS). Also called: MARFAN SYNDROME, TYPE I; Marfan syndrome type 1; Marfan's syndrome; Marfan syndrome, classic; FBN1-Related Marfan Syndrome. Identifiers: Orphanet 284963, Orphanet 558, MedGen C0024796, MONDO:0007947, OMIM 154700.
Familial thoracic aortic aneurysm and aortic dissection (TAAD). Also called: Thoracic aortic aneurysms and dissections. Identifiers: Orphanet 91387, MedGen C4707243, MONDO:0019625.

Submission:

Labcorp Genetics (formerly Invitae), Labcorp
Classification: Pathogenic for Marfan syndrome; Familial thoracic aortic aneurysm and aortic dissection. Last evaluated: 2024-04-15. Review status: criteria provided, single submitter. Criteria: Invitae Variant Classification Sherloc (09022015). Collection method: clinical testing. Allele origin: germline.
Comment: This sequence change falls in intron 30 of the FBN1 gene. It does not directly change the encoded amino acid sequence of the FBN1 protein. It affects a nucleotide within the consensus splice site. This variant is not present in population databases (gnomAD no frequency). This variant has been observed in individual(s) with Marfan syndrome (PMID: 17680538; Invitae). In at least one individual the variant was observed to be de novo. Variants that disrupt the consensus splice site are a relatively common cause of aberrant splicing (PMID: 17576681, 9536098). Algorithms developed to predict the effect of sequence changes on RNA splicing suggest that this variant may disrupt the consensus splice site. For these reasons, this variant has been classified as Pathogenic.

Literature cited by the submitters: PubMed 17680538; PubMed 17576681; PubMed 9536098.